The following is an entry in ClinVar:

ClinVar aggregate classification (germline): Uncertain significance (1 of 4 stars; one submission).

gnomAD v4.1: 8 of 1,558,586 alleles (0.00051%); highest among the groups gnomAD compares: Admixed American, 0.0019%; no homozygotes.

Submission:

Women's Health and Genetics/Laboratory Corporation of America, LabCorp
Classification: Uncertain significance. Last evaluated: 2025-02-20. Review status: criteria provided, single submitter. Criteria: LabCorp Variant Classification Summary - May 2015. Collection method: clinical testing. Allele origin: germline.
Comment: Variant summary: BICRA c.886G>A (p.Ala296Thr) results in a non-conservative amino acid change in the encoded protein sequence. Four of five in-silico tools predict a benign effect of the variant on protein function. The variant was absent in 31324 control chromosomes (gnomAD). The available data on variant occurrences in the general population are insufficient to allow any conclusion about variant significance. To our knowledge, no occurrence of c.886G>A in individuals affected with Coffin-Siris Syndrome 12 and no experimental evidence demonstrating its impact on protein function have been reported. No submitters have cited clinical-significance assessments for this variant to ClinVar. Based on the evidence outlined above, the variant was classified as uncertain significance.

NM_001394372.1(BICRA):c.886G>A (p.Ala296Thr)

Gene: BICRA (BRD4 interacting chromatin remodeling complex associated protein; plus strand). Cytogenetic location: 19q13.33.
Variant type: single nucleotide variant.
Coding change: c.886G>A on transcript NM_001394372.1 (MANE Select); coding-DNA position 886, G replaced by A.
Protein change: p.Ala296Thr; replaces alanine 296 with threonine.
Molecular consequence: missense variant.
Genome position (GRCh38, 1-based): chr19:47,680,056, G>A. VCF-style: chr19-47680056-G-A. GRCh37 (hg19) VCF-style: chr19-48183313-G-A.
Other names: c.886G>A, p.Ala296Thr (NM_015711.3); short protein forms A296T.
Identifiers: ClinVar variation 3768908 (VCV003768908.1).